The following is an entry in ClinVar:

ClinVar aggregate classification (germline): Uncertain significance (1 of 4 stars; one submission).

Submission:

Labcorp Genetics (formerly Invitae), Labcorp
Classification: Uncertain significance. Last evaluated: 2026-01-14. Review status: criteria provided, single submitter. Criteria: Invitae Variant Classification Sherloc (09022015). Collection method: clinical testing. Allele origin: germline.
Comment: This sequence change replaces serine, which is neutral and polar, with leucine, which is neutral and non-polar, at codon 50 of the AUTS2 protein (p.Ser50Leu). The frequency data for this variant in the population databases is considered unreliable, as metrics indicate poor data quality at this position in the gnomAD database. This variant has not been reported in the literature in individuals affected with AUTS2-related conditions. ClinVar contains an entry for this variant (Variation ID: 2876995). An algorithm developed to predict the effect of missense changes on protein structure and function (PolyPhen-2) suggests that this variant is likely to be disruptive. In summary, the available evidence is currently insufficient to determine the role of this variant in disease. Therefore, it has been classified as a Variant of Uncertain Significance.

NM_015570.4(AUTS2):c.149C>T (p.Ser50Leu)

Gene: AUTS2 (activator of transcription and developmental regulator AUTS2; plus strand). Cytogenetic location: 7q11.22.
Variant type: single nucleotide variant.
Coding change: c.149C>T on transcript NM_015570.4 (MANE Select); coding-DNA position 149, C replaced by T.
Protein change: p.Ser50Leu; replaces serine 50 with leucine.
Molecular consequence: missense variant.
Genome position (GRCh38, 1-based): chr7:69,599,802, C>T. VCF-style: chr7-69599802-C-T. GRCh37 (hg19) VCF-style: chr7-69064788-C-T.
Other names: c.149C>T, p.Ser50Leu (NM_001127231.3, NM_001127232.3); short protein forms S50L.
Identifiers: ClinVar variation 2876995 (VCV002876995.3), dbSNP rs775225727, ClinGen allele CA367702947.